The following is an entry in ClinVar:

NM_007272.3(CTRC):c.223T>A (p.Cys75Ser)

Gene: CTRC (chymotrypsin C; plus strand). Cytogenetic location: 1p36.21.
Variant type: single nucleotide variant.
Coding change: c.223T>A on transcript NM_007272.3 (MANE Select); coding-DNA position 223, T replaced by A.
Protein change: p.Cys75Ser; replaces cysteine 75 with serine.
Molecular consequence: missense variant.
Genome position (GRCh38, 1-based): chr1:15,440,583, T>A. VCF-style: chr1-15440583-T-A. GRCh37 (hg19) VCF-style: chr1-15767079-T-A.
Other names: short protein forms C75S.
Identifiers: ClinVar variation 4869538 (VCV004869538.1).
Genomic context (GRCh38, chr1:15,440,583, plus strand): 5'-TGGAGGCATACGTGTGGCGGGACTTTGATTGCTAGCAACTTCGTCCTCACTGCCGCCCAC[T>A]GCATCAGGTGTGCGGGGATGATACCCTGAGACCTGGCCATCGTCCGGGGGCGGAAGCCTG-3'
Protein context (NP_009203.2, residues 65-85): ASNFVLTAAH[Cys75Ser]ISNTRTYRVA

ClinVar aggregate classification (germline): Uncertain significance (1 of 4 stars; one submission).

Conditions:
Hereditary pancreatitis (PCTT). Also called: Hereditary chronic pancreatitis; PRSS1-Related Hereditary Pancreatitis. Identifiers: Orphanet 676, MedGen C0238339, MONDO:0008185, OMIM 167800.

Submission:

Ambry Genetics
Classification: Uncertain significance for Hereditary pancreatitis. Last evaluated: 2026-06-01. Review status: criteria provided, single submitter. Criteria: Ambry Variant Classification Scheme 2023. Collection method: clinical testing. Allele origin: germline.
Comment: The p.C75S variant (also known as c.223T>A), located in coding exon 3 of the CTRC gene, results from a T to A substitution at nucleotide position 223. The cysteine at codon 75 is replaced by serine, an amino acid with dissimilar properties. This amino acid position is conserved. In addition, this alteration is predicted to be deleterious by in silico analysis. Based on the available evidence, the clinical significance of this variant remains unclear.